The following is an entry in ClinVar:

NM_001060.6(TBXA2R):c.826A>G (p.Met276Val)

Gene: TBXA2R (thromboxane A2 receptor; minus strand). Cytogenetic location: 19p13.3.
Variant type: single nucleotide variant.
Coding change: c.826A>G on transcript NM_001060.6 (MANE Select); coding-DNA position 826, A replaced by G.
Protein change: p.Met276Val; replaces methionine 276 with valine.
Molecular consequence: missense variant.
Genome position (GRCh38, 1-based): chr19:3,595,894, T>C on the plus strand (A>G on the coding strand, the complement: TBXA2R is on the minus strand). VCF-style: chr19-3595894-T-C. GRCh37 (hg19) VCF-style: chr19-3595892-T-C.
Other names: c.826A>G, p.Met276Val (NM_201636.3); short protein forms M276V.
Identifiers: ClinVar variation 3392897 (VCV003392897.2).
Genomic context (GRCh38, chr19:3,595,894, plus strand): 5'-CGCGCAAGTAGATGAGCAGCTCCTTCTCCGTGGTGCGGGACAGCTGCCCGGCGGGGCTCA[T>C]GGCAGGCGGGTTTCGCAGCACTGTCTGGGCGATGAAGACCTGCAAAGGGGAGAGCTGTCA-3'
Protein context (NP_001051.1, residues 266-286): AQTVLRNPPA[Met276Val]SPAGQLSRTT

ClinVar aggregate classification (germline): Uncertain significance. Review status: criteria provided, multiple submitters, no conflicts (2 of 4 stars). 2 submissions from 2 submitters: Uncertain significance (2). Last evaluated 2025-06-15.

gnomAD v4.1: 3 of 1,607,304 alleles (0.00019%); highest among the groups gnomAD compares: Admixed American, 0.0034%; no homozygotes.

Submissions (2):

Labcorp Genetics (formerly Invitae), Labcorp
Classification: Uncertain significance. Last evaluated: 2025-06-15. Review status: criteria provided, single submitter. Criteria: Invitae Variant Classification Sherloc (09022015). Collection method: clinical testing. Allele origin: germline.
Comment: This sequence change replaces methionine, which is neutral and non-polar, with valine, which is neutral and non-polar, at codon 276 of the TBXA2R protein (p.Met276Val). This variant is not present in population databases (gnomAD no frequency). This variant has not been reported in the literature in individuals affected with TBXA2R-related conditions. ClinVar contains an entry for this variant (Variation ID: 3392897). An algorithm developed to predict the effect of missense changes on protein structure and function (PolyPhen-2) suggests that this variant is likely to be tolerated. In summary, the available evidence is currently insufficient to determine the role of this variant in disease. Therefore, it has been classified as a Variant of Uncertain Significance.

GeneDx
Classification: Uncertain significance. Last evaluated: 2024-06-25. Review status: criteria provided, single submitter. Criteria: GeneDx Variant Classification Process June 2021. Collection method: clinical testing. Allele origin: germline. Affected: yes.
Comment: Not observed at significant frequency in large population cohorts (gnomAD); In silico analysis indicates that this missense variant does not alter protein structure/function; Has not been previously published as pathogenic or benign to our knowledge